The following is an entry in ClinVar:

ClinVar aggregate classification (germline): Uncertain significance (1 of 4 stars; one submission).

Submission:

Labcorp Genetics (formerly Invitae), Labcorp
Classification: Uncertain significance. Last evaluated: 2022-03-18. Review status: criteria provided, single submitter. Criteria: Invitae Variant Classification Sherloc (09022015). Collection method: clinical testing. Allele origin: germline.
Comment: This sequence change replaces valine, which is neutral and non-polar, with isoleucine, which is neutral and non-polar, at codon 778 of the CACNA2D4 protein (p.Val778Ile). This variant is present in population databases (no rsID available, gnomAD no frequency). This variant has not been reported in the literature in individuals affected with CACNA2D4-related conditions. ClinVar contains an entry for this variant (Variation ID: 1059124). Algorithms developed to predict the effect of missense changes on protein structure and function output the following: SIFT: "Tolerated"; PolyPhen-2: "Benign"; Align-GVGD: "Class C0". The isoleucine amino acid residue is found in multiple mammalian species, which suggests that this missense change does not adversely affect protein function. In summary, the available evidence is currently insufficient to determine the role of this variant in disease. Therefore, it has been classified as a Variant of Uncertain Significance.

NM_172364.5(CACNA2D4):c.2332G>A (p.Val778Ile)

Gene: CACNA2D4 (calcium voltage-gated channel auxiliary subunit alpha2delta 4; minus strand). Cytogenetic location: 12p13.33.
Variant type: single nucleotide variant.
Coding change: c.2332G>A on transcript NM_172364.5 (MANE Select); coding-DNA position 2332, G replaced by A.
Protein change: p.Val778Ile; replaces valine 778 with isoleucine.
Molecular consequence: missense variant.
Genome position (GRCh38, 1-based): chr12:1,846,604, C>T on the plus strand (G>A on the coding strand, the complement: CACNA2D4 is on the minus strand). VCF-style: chr12-1846604-C-T. GRCh37 (hg19) VCF-style: chr12-1955770-C-T.
Other names: short protein forms V778I.
Identifiers: ClinVar variation 1059124 (VCV001059124.9), dbSNP rs1429627928, ClinGen allele CA383359248.
Genomic context (GRCh38, chr12:1,846,604, plus strand): 5'-CCTCTCTGCCCTGCAGGGATTGCCCTCCCGAGGTGGCCGGCCCAACCCACCTGTCGGAGA[C>T]CTTCTCGGAGCCCACGAACAAGCTGCTTCTCAGGAGGCCAGCCCGGGTGCCCAGGAAGGC-3'
Protein context (NP_758952.4, residues 768-788): RSSLFVGSEK[Val778Ile]SDRKFLTPED